The following is an entry in ClinVar:

ClinVar aggregate classification (germline): Uncertain significance (1 of 4 stars; one submission).

Conditions:
Cardiovascular phenotype. Identifiers: MedGen CN230736.

Submission:

Ambry Genetics
Classification: Uncertain significance for Cardiovascular phenotype. Last evaluated: 2021-11-05. Review status: criteria provided, single submitter. Criteria: Ambry Variant Classification Scheme 2023. Collection method: clinical testing. Allele origin: germline.
Comment: The p.Q57H variant (also known as c.171G>C), located in coding exon 2 of the APOC3 gene, results from a G to C substitution at nucleotide position 171. The glutamine at codon 57 is replaced by histidine, an amino acid with highly similar properties. This amino acid position is conserved. In addition, this alteration is predicted to be tolerated by in silico analysis. Since supporting evidence is limited at this time, the clinical significance of this alteration remains unclear.

NM_000040.3(APOC3):c.171G>C (p.Gln57His)

Gene: APOC3 (apolipoprotein C3; plus strand). Cytogenetic location: 11q23.3.
Variant type: single nucleotide variant.
Coding change: c.171G>C on transcript NM_000040.3 (MANE Select); coding-DNA position 171, G replaced by C.
Protein change: p.Gln57His; replaces glutamine 57 with histidine.
Molecular consequence: missense variant.
Genome position (GRCh38, 1-based): chr11:116,830,888, G>C. VCF-style: chr11-116830888-G-C. GRCh37 (hg19) VCF-style: chr11-116701604-G-C.
Other names: short protein forms Q57H.
Identifiers: ClinVar variation 1778729 (VCV001778729.2), dbSNP rs2540278122, ClinGen allele CA382710151.
Genomic context (GRCh38, chr11:116,830,888, plus strand): 5'-GCACGCCACCAAGACCGCCAAGGATGCACTGAGCAGCGTGCAGGAGTCCCAGGTGGCCCA[G>C]CAGGCCAGGTACACCCGCTGGCCTCCCTCCCCATCCCCCCTGCCAGCTGCCTCCATTCCC-3'
Protein context (NP_000031.1, residues 47-67): LSSVQESQVA[Gln57His]QARGWVTDGF